The following is an entry in ClinVar:

ClinVar aggregate classification (germline): Uncertain significance (1 of 4 stars; one submission).

Conditions:
Alstrom syndrome (ALMS). Identifiers: Orphanet 64, MedGen C0268425, MONDO:0008763, OMIM 203800.

Submission:

Labcorp Genetics (formerly Invitae), Labcorp
Classification: Uncertain significance for Alstrom syndrome. Last evaluated: 2022-11-08. Review status: criteria provided, single submitter. Criteria: Invitae Variant Classification Sherloc (09022015). Collection method: clinical testing. Allele origin: germline.
Comment: This variant has not been reported in the literature in individuals affected with ALMS1-related conditions. ClinVar contains an entry for this variant (Variation ID: 834825). Experimental studies and prediction algorithms are not available or were not evaluated, and the functional significance of this variant is currently unknown. In summary, the available evidence is currently insufficient to determine the role of this variant in disease. Therefore, it has been classified as a Variant of Uncertain Significance. This variant is not present in population databases (gnomAD no frequency). This variant, c.2096_2110del, results in the deletion of 5 amino acid(s) of the ALMS1 protein (p.Val699_Ala703del), but otherwise preserves the integrity of the reading frame.

NM_001378454.1(ALMS1):c.2093_2107del (p.Val698_Ala702del)

Gene: ALMS1 (ALMS1 centrosome and basal body associated protein; plus strand). Cytogenetic location: 2p13.1.
Variant type: Deletion.
Coding change: c.2093_2107del on transcript NM_001378454.1 (MANE Select); coding-DNA positions 2093 to 2107, 15 bases deleted (TGTCTGGACCAGCTG).
Protein change: p.Val698_Ala702del.
Molecular consequence: inframe deletion.
Genome position (GRCh38, 1-based): chr2:73,448,620-73,448,634, TGTCTGGACCAGCTG deleted; deleting any 15 consecutive bases within chr2:73,448,614-73,448,634 gives the same sequence; the c. name uses the placement nearest the transcript's 3' end. VCF-style (leftmost placement, unchanged base first): chr2-73448613-TCAGCTGTGTCTGGAC-T. GRCh37 (hg19) VCF-style: chr2-73675740-TCAGCTGTGTCTGGAC-T.
Other names: c.2096_2110del, p.Val699_Ala703del (NM_015120.4).
Identifiers: ClinVar variation 834825 (VCV000834825.8), dbSNP rs1671856599, ClinGen allele CA916082173.